The following is an entry in ClinVar:

NM_000094.4(COL7A1):c.3265C>T (p.Gln1089Ter)

Gene: COL7A1 (collagen type VII alpha 1 chain; minus strand). Cytogenetic location: 3p21.31.
Variant type: single nucleotide variant.
Coding change: c.3265C>T on transcript NM_000094.4 (MANE Select); coding-DNA position 3265, C replaced by T.
Protein change: p.Gln1089Ter; replaces glutamine 1089 with a stop codon.
Molecular consequence: nonsense.
Genome position (GRCh38, 1-based): chr3:48,586,983, G>A on the plus strand (C>T on the coding strand, the complement: COL7A1 is on the minus strand). VCF-style: chr3-48586983-G-A. GRCh37 (hg19) VCF-style: chr3-48624416-G-A.
Other names: short protein forms Q1089*.
Identifiers: ClinVar variation 488390 (VCV000488390.7), dbSNP rs1553612617, ClinGen allele CA352708242.

ClinVar aggregate classification (germline): Pathogenic/Likely pathogenic. Review status: criteria provided, multiple submitters, no conflicts (2 of 4 stars). 5 submissions from 5 submitters: Pathogenic (2); Likely pathogenic (3). Last evaluated 2024-05-11.

Conditions:
Epidermolysis bullosa. Identifiers: MedGen C0014527, MeSH D004820, MONDO:0006541.
Pretibial dystrophic epidermolysis bullosa. Also called: EPIDERMOLYSIS BULLOSA DYSTROPHICA, PRETIBIAL; Pretibial epidermolysis bullosa; Pretibial blistering. Identifiers: Orphanet 79410, MedGen C0432321, MONDO:0007552, OMIM 131850, HP:0012221.
Dominant dystrophic epidermolysis bullosa with absence of skin. Also called: EPIDERMOLYSIS BULLOSA DYSTROPHICA, BART TYPE; EPIDERMOLYSIS BULLOSA WITH CONGENITAL LOCALIZED ABSENCE OF SKIN AND DEFORMITY OF NAILS. Identifiers: MedGen C0268371, MONDO:0007557, OMIM 132000.
Nonsyndromic congenital nail disorder 8. Also called: TOENAIL DYSTROPHY, ISOLATED. Identifiers: MedGen C1843761, MONDO:0011852, OMIM 607523.
Transient bullous dermolysis of the newborn (TBDN). Also called: EPIDERMOLYSIS BULLOSA DYSTROPHICA, NEONATAL FORM; DYSTROPHIC EPIDERMOLYSIS BULLOSA, NEONATAL. Identifiers: Orphanet 79411, MedGen C1851573, MONDO:0007548, OMIM 131705.
Epidermolysis bullosa pruriginosa. Also called: DEB, PRURIGINOSA; DYSTROPHIC EPIDERMOLYSIS BULLOSA PRURIGINOSA. Identifiers: Orphanet 89843, MedGen C1275114, MONDO:0011398, OMIM 604129.
Recessive dystrophic epidermolysis bullosa (RDEB). Also called: DYSTROPHIC EPIDERMOLYSIS BULLOSA, AUTOSOMAL RECESSIVE; EPIDERMOLYSIS BULLOSA DYSTROPHICA, HALLOPEAU-SIEMENS TYPE; Recessive DEB (RDEB); EPIDERMOLYSIS BULLOSA DYSTROPHICA, GENERALIZED SEVERE, AUTOSOMAL RECESSIVE; Epidermolysis Bullosa Distrophica Autosomal Recessive (RDEB); epidermolysis bullosa dystrophica, autosomal recessive. Identifiers: Orphanet 79408, Orphanet 79409, MedGen C0079474, MONDO:0009179, OMIM 226600.
Generalized dominant dystrophic epidermolysis bullosa (DDEB). Also called: Dominant DEB (DDEB); DDEB, generalized; DDEB-gen; DYSTROPHIC EPIDERMOLYSIS BULLOSA, AUTOSOMAL DOMINANT; Epidermolysis bullosa dystrophica, autosomal dominant. Identifiers: Orphanet 231568, MedGen C0432322, MONDO:0007549, OMIM 131750.

Submissions (5):

Myriad Genetics, Inc.
Classification: Pathogenic for Recessive dystrophic epidermolysis bullosa. Last evaluated: 2024-05-11. Review status: criteria provided, single submitter. Criteria: Myriad Autosomal Dominant, Autosomal Recessive and X-Linked Classification Criteria (2023). Collection method: clinical testing. Allele origin: unknown.
Comment: NM_000094.3(COL7A1):c.3265C>T(Q1089*) is expected to be pathogenic in the context of dystrophic epidermolysis bullosa. This variant is predicted to lead to an abnormal or absent protein product due to the creation of a premature termination codon in COL7A1, a gene where loss-of-function variants are known to be pathogenic. Please note: this variant was assessed in the context of healthy population screening.

Fulgent Genetics
Classification: Likely pathogenic for Transient bullous dermolysis of the newborn; Generalized dominant dystrophic epidermolysis bullosa; Pretibial dystrophic epidermolysis bullosa; Dominant dystrophic epidermolysis bullosa with absence of skin; Recessive dystrophic epidermolysis bullosa; Epidermolysis bullosa pruriginosa; Nonsyndromic congenital nail disorder 8. Last evaluated: 2024-03-13. Review status: criteria provided, single submitter. Criteria: ACMG Guidelines, 2015. Collection method: clinical testing. Allele origin: germline.

Division of Human Genetics, National Health Laboratory Service/University of the Witwatersrand
Classification: Pathogenic for Epidermolysis bullosa. Last evaluated: 2023-07-01. Review status: criteria provided, single submitter. Criteria: ACMG Guidelines, 2015. Collection method: research. Allele origin: germline. Affected: yes.

Neuberg Centre For Genomic Medicine, NCGM
Classification: Likely pathogenic for Recessive dystrophic epidermolysis bullosa. Last evaluated: 2023-06-22. Review status: criteria provided, single submitter. Criteria: ACMG Guidelines, 2015. Collection method: clinical testing. Allele origin: germline. Inheritance: Autosomal recessive inheritance. Affected: yes.
Comment: The observed stop gain c.3265C>T(p.Gln1089Ter) variant in COL7A1 gene variant has not been reported previously as a pathogenic variant nor as a benign variant, to our knowledge. The c.3265C>T variant is absent in gnomAD Exomes database. This variant has been reported to the ClinVar database as Likely pathogenic. Computational evidence (MutationTaster - Disease causing) predict damaging effect on protein structure and function for this variant. The nucleotide change c.3265C>T in COL7A1 is predicted as conserved by GERP++ and PhyloP across 100 vertebrates. This variant is predicted to cause loss of normal protein function through protein truncation. Loss of function variants have been previously reported to be disease causing. For these reasons, this variant has been classified as Likely Pathogenic.

Victorian Clinical Genetics Services, Murdoch Childrens Research Institute
Classification: Likely pathogenic for Recessive dystrophic epidermolysis bullosa. Last evaluated: 2017-08-30. Review status: criteria provided, single submitter. Criteria: ACMG Guidelines, 2015. Collection method: clinical testing. Allele origin: paternal. Inheritance: Autosomal recessive inheritance. Affected: yes. Observed: 2 variant alleles.
Comment: The NM_000094.3(COL7A1):c.3265C>T heterozygous nonsense variant was identified in exon 24 of COL7A1. This nonsense variant introduces a stop codon at amino acid position 1089, NP_000085.1(COL7A1):p.(Gln1089*). This variant is predicted to result in loss of protein function either through truncation (>50% of the protein, including multiple triple helix repeats) or nonsense-mediated decay. This variant is not present in the gnomAD population database and has not been previously observed in other clinical cases. However, other truncating variants downstream of c.3265C>T in COL7A1 have been reported as pathogenic in individuals with dystrophic epidermolysis bullosa (ClinVar). Based on current information and in association with the NM_000094.3(COL7A1):c.1732C>T nonsense variant, this variant has been classified as LIKELY PATHOGENIC. The presence of these two nonsense variants suggests a possible compound heterozygous mode of inheritance which is consistent with dystrophic epidermolysis bullosa.